The following is an entry in ClinVar:

ClinVar aggregate classification (germline): Uncertain significance (1 of 4 stars; one submission).

Conditions:
CEP290-related disorder. Also called: CEP290-related disorders; CEP290-related condition. Identifiers: MedGen CN239314.

Submission:

PreventionGenetics, part of Exact Sciences
Classification: Uncertain significance for CEP290-related condition. Last evaluated: 2025-03-13. Review status: criteria provided, single submitter. Criteria: ACMG Guidelines, 2015. Collection method: clinical testing. Allele origin: germline.
Comment: The CEP290 c.7413_7414dupAA variant is predicted to result in a frameshift and premature protein termination (p.Ser2472Lysfs*14). This variant falls within the terminal exon of CEP290 and is predicted to result in a frameshift 12 amino acids upstream of the stop codon. To our knowledge, this variant has not been reported in the literature or in a large population database (gnomAD), indicating this variant is rare. At this time, the clinical significance of this variant is uncertain due to the absence of conclusive functional and genetic evidence.

NM_025114.4(CEP290):c.7413_7414dup (p.Ser2472fs)

Genes: CEP290 (centrosomal protein 290; minus strand), RLIG1 (RNA 5'-phosphate and 3'-OH ligase 1; plus strand). Cytogenetic location: 12q21.32.
Variant type: Duplication.
Coding change: c.7413_7414dup on transcript NM_025114.4 (MANE Select); coding-DNA positions 7413 to 7414, 2 bases duplicated (AA; older notation c.7413_7414dupAA).
Protein change: p.Ser2472fs; shifts the reading frame from serine 2472.
Molecular consequence: frameshift variant. On other transcripts: 3 prime UTR variant (1).
Genome position (GRCh38, 1-based): chr12:88,049,210-88,049,211, TT duplicated on the plus strand (AA on the coding strand, the reverse complement: CEP290 is on the minus strand); duplicating any 2 consecutive bases within chr12:88,049,210-88,049,212 gives the same sequence; the c. name uses the placement nearest the transcript's 3' end. VCF-style (leftmost placement, unchanged base first): chr12-88049209-C-CTT. GRCh37 (hg19) VCF-style: chr12-88442986-C-CTT.
Other names: c.*789_*790dup (NM_001009894.3); short protein forms S2472fs.
Identifiers: ClinVar variation 4999809 (VCV004999809.1).